The following is an entry in ClinVar:

ClinVar aggregate classification (germline): Conflicting classifications of pathogenicity. Review status: criteria provided, conflicting classifications (1 of 4 stars). 6 submissions from 6 submitters: Uncertain significance (4); Likely benign (2). Last evaluated 2026-01-28.

Conditions:
Duchenne muscular dystrophy (DMD). Also called: MUSCULAR DYSTROPHY, PSEUDOHYPERTROPHIC PROGRESSIVE, DUCHENNE TYPE; Duchenne Muscular Dystrophy (DMD). Identifiers: Orphanet 98896, MedGen C0013264, MONDO:0010679, OMIM 310200.
Cardiovascular phenotype. Identifiers: MedGen CN230736.

Allele frequency attached by ClinVar (database versions not stated): gnomAD 0.00001 and 0.00002; gnomAD exomes 0.00004 and 0.00006; TOPMed 0.00004; ExAC 0.00005.
gnomAD v4.1: 71 of 1,207,631 alleles (0.0059%); highest among the groups gnomAD compares: Middle Eastern, 0.023%; no homozygotes.

Submissions (6):

Labcorp Genetics (formerly Invitae), Labcorp
Classification: Likely benign for Duchenne muscular dystrophy. Last evaluated: 2026-01-28. Review status: criteria provided, single submitter. Criteria: Invitae Variant Classification Sherloc (09022015). Collection method: clinical testing. Allele origin: germline.

Women's Health and Genetics/Laboratory Corporation of America, LabCorp
Classification: Uncertain significance. Last evaluated: 2025-07-03. Review status: criteria provided, single submitter. Criteria: LabCorp Variant Classification Summary - May 2015. Collection method: clinical testing. Allele origin: germline.

Blueprint Genetics
Classification: Likely benign. Last evaluated: 2024-11-22. Review status: criteria provided, single submitter. Criteria: ACMG Guidelines, 2015. Collection method: clinical testing. Allele origin: germline.

Ambry Genetics
Classification: Uncertain significance for Cardiovascular phenotype. Last evaluated: 2022-03-08. Review status: criteria provided, single submitter. Criteria: Ambry Variant Classification Scheme 2023. Collection method: clinical testing. Allele origin: germline.
Comment: The p.V243A variant (also known as c.728T>C), located in coding exon 8 of the DMD gene, results from a T to C substitution at nucleotide position 728. The valine at codon 243 is replaced by alanine, an amino acid with similar properties. Based on data from gnomAD, the C allele has an overall frequency of 0.0044% (9/204833) total alleles studied, with 3 hemizygote(s) observed. The highest observed frequency was 0.0130% (9/92327) of European (non-Finnish) alleles. This amino acid position is highly conserved in available vertebrate species. In addition, the in silico prediction for this alteration is inconclusive. Since supporting evidence is limited at this time, the clinical significance of this alteration remains unclear.

Athena Diagnostics
Classification: Uncertain significance. Last evaluated: 2020-06-05. Review status: criteria provided, single submitter. Criteria: Athena Diagnostics Criteria. Collection method: clinical testing. Allele origin: unknown.

Revvity Omics, Revvity
Classification: Uncertain significance. Last evaluated: 2020-03-25. Review status: criteria provided, single submitter. Criteria: ACMG Guidelines, 2015. Collection method: clinical testing. Allele origin: germline.

NM_004006.3(DMD):c.728T>C (p.Val243Ala)

Gene: DMD (dystrophin; minus strand). Cytogenetic location: Xp21.1.
Variant type: single nucleotide variant.
Coding change: c.728T>C on transcript NM_004006.3 (MANE Select); coding-DNA position 728, T replaced by C.
Protein change: p.Val243Ala; replaces valine 243 with alanine.
Molecular consequence: missense variant.
Genome position (GRCh38, 1-based): chrX:32,699,215, A>G on the plus strand (T>C on the coding strand, the complement: DMD is on the minus strand). VCF-style: chrX-32699215-A-G. GRCh37 (hg19) VCF-style: chrX-32717332-A-G.
Other names: c.704T>C, p.Val235Ala (NM_000109.4); c.716T>C, p.Val239Ala (NM_004009.3); c.359T>C, p.Val120Ala (NM_004010.3); short protein forms V243A, V120A, V235A, V239A.
Identifiers: ClinVar variation 696818 (VCV000696818.31), dbSNP rs753509616, ClinGen allele CA10380081.